The following is an entry in ClinVar:

NM_000051.4(ATM):c.1375C>A (p.Leu459Ile)

Gene: ATM (ATM serine/threonine kinase; plus strand). Cytogenetic location: 11q22.3.
Variant type: single nucleotide variant.
Coding change: c.1375C>A on transcript NM_000051.4 (MANE Select); coding-DNA position 1375, C replaced by A.
Protein change: p.Leu459Ile; replaces leucine 459 with isoleucine.
Molecular consequence: missense variant.
Genome position (GRCh38, 1-based): chr11:108,250,840, C>A. VCF-style: chr11-108250840-C-A. GRCh37 (hg19) VCF-style: chr11-108121567-C-A.
Other names: c.1375C>A, p.Leu459Ile (NM_001351834.2); short protein forms L459I.
Identifiers: ClinVar variation 922814 (VCV000922814.4), dbSNP rs1064794635, ClinGen allele CA382533843.
Genomic context (GRCh38, chr11:108,250,840, plus strand): 5'-CTATCTCAGCTTCTACCCCAACAGCGACATGGGGAACGTACACCATATGTGTTACGATGC[C>A]TTACGGAAGTTGCATTGTGTCAAGACAAGAGGTCAAACCTAGAAAGCTCACAAAAGTCAG-3'
Protein context (NP_000042.3, residues 449-469): GERTPYVLRC[Leu459Ile]TEVALCQDKR

ClinVar aggregate classification (germline): Uncertain significance (1 of 4 stars; one submission).

Conditions:
Hereditary cancer-predisposing syndrome. Also called: Neoplastic Syndromes, Hereditary; Tumor predisposition; Hereditary Cancer Syndrome; Hereditary neoplastic syndrome. Identifiers: Orphanet 140162, MedGen C0027672, MeSH D009386, MONDO:0015356.

Submission:

Color Diagnostics, LLC DBA Color Health
Classification: Uncertain significance for Hereditary cancer-predisposing syndrome. Last evaluated: 2023-12-05. Review status: criteria provided, single submitter. Criteria: ACMG Guidelines, 2015. Collection method: clinical testing. Allele origin: germline.
Comment: This missense variant replaces leucine with isoleucine at codon 459 of the ATM protein. Computational prediction suggests that this variant may not impact protein structure and function (internally defined REVEL score threshold <= 0.5, PMID: 27666373). To our knowledge, functional studies have not been reported for this variant. This variant has not been reported in individuals affected with ATM-related disorders in the literature. This variant has not been identified in the general population by the Genome Aggregation Database (gnomAD). The available evidence is insufficient to determine the role of this variant in disease conclusively. Therefore, this variant is classified as a Variant of Uncertain Significance.